The following is an entry in ClinVar:

ClinVar aggregate classification (germline): Uncertain significance (1 of 4 stars; one submission).

Conditions:
Severe combined immunodeficiency due to DNA-PKcs deficiency. Also called: IMMUNODEFICIENCY 26 WITH NEUROLOGIC ABNORMALITIES; Immunodeficiency 26 with or without neurologic abnormalities. Identifiers: Orphanet 317425, MedGen C4014833, MONDO:0014423, OMIM 615966.

Allele frequency attached by ClinVar (database versions not stated): gnomAD exomes 0.00001; ExAC 0.00002; gnomAD 0.00002; TOPMed 0.00002.
gnomAD v4.1: 22 of 1,613,458 alleles (0.0014%); highest among the groups gnomAD compares: Admixed American, 0.01%; no homozygotes.

Submission:

Labcorp Genetics (formerly Invitae), Labcorp
Classification: Uncertain significance for Severe combined immunodeficiency due to DNA-PKcs deficiency. Last evaluated: 2024-10-17. Review status: criteria provided, single submitter. Criteria: Invitae Variant Classification Sherloc (09022015). Collection method: clinical testing. Allele origin: germline.
Comment: This sequence change replaces lysine, which is basic and polar, with threonine, which is neutral and polar, at codon 2755 of the PRKDC protein (p.Lys2755Thr). This variant is present in population databases (rs748466033, gnomAD 0.009%). This variant has not been reported in the literature in individuals affected with PRKDC-related conditions. ClinVar contains an entry for this variant (Variation ID: 2148781). Experimental studies and prediction algorithms are not available or were not evaluated, and the functional significance of this variant is currently unknown. Algorithms developed to predict the effect of sequence changes on RNA splicing suggest that this variant may disrupt the consensus splice site. In summary, the available evidence is currently insufficient to determine the role of this variant in disease. Therefore, it has been classified as a Variant of Uncertain Significance.

NM_006904.7(PRKDC):c.8264A>C (p.Lys2755Thr)

Gene: PRKDC (protein kinase, DNA-activated, catalytic subunit; minus strand). Cytogenetic location: 8q11.21.
Variant type: single nucleotide variant.
Coding change: c.8264A>C on transcript NM_006904.7 (MANE Select); coding-DNA position 8264, A replaced by C.
Protein change: p.Lys2755Thr; replaces lysine 2755 with threonine.
Molecular consequence: missense variant.
Genome position (GRCh38, 1-based): chr8:47,831,815, T>G on the plus strand (A>C on the coding strand, the complement: PRKDC is on the minus strand). VCF-style: chr8-47831815-T-G. GRCh37 (hg19) VCF-style: chr8-48744376-T-G.
Other names: c.8264A>C, p.Lys2755Thr (NM_001081640.2); short protein forms K2755T.
Identifiers: ClinVar variation 2148781 (VCV002148781.4), dbSNP rs748466033, ClinGen allele CA4739889.